The following is an entry in ClinVar:

NM_005120.3(MED12):c.6207A>G (p.Gln2069=)

Gene: MED12 (mediator complex subunit 12; plus strand). Cytogenetic location: Xq13.1.
Variant type: single nucleotide variant.
Coding change: c.6207A>G on transcript NM_005120.3 (MANE Select); coding-DNA position 6207, A replaced by G.
Protein change: p.Gln2069=; no amino-acid change (glutamine 2069 retained).
Molecular consequence: synonymous variant.
Genome position (GRCh38, 1-based): chrX:71,140,797, A>G. VCF-style: chrX-71140797-A-G. GRCh37 (hg19) VCF-style: chrX-70360647-A-G.
Identifiers: ClinVar variation 2144267 (VCV002144267.20), dbSNP rs774201765, ClinGen allele CA10444899.

ClinVar aggregate classification (germline): Likely benign. Review status: criteria provided, multiple submitters, no conflicts (2 of 4 stars). 2 submissions from 2 submitters: Likely benign (2). Last evaluated 2026-01-04.

Conditions:
FG syndrome (FGS). Identifiers: MedGen C0220769, MONDO:0002010.

Allele frequency attached by ClinVar (database versions not stated): ExAC 0.00001; gnomAD 0.00002.

Submissions (2):

Labcorp Genetics (formerly Invitae), Labcorp
Classification: Likely benign for FG syndrome. Last evaluated: 2026-01-04. Review status: criteria provided, single submitter. Criteria: Invitae Variant Classification Sherloc (09022015). Collection method: clinical testing. Allele origin: germline.

CeGaT Center for Human Genetics Tuebingen
Classification: Likely benign. Last evaluated: 2024-08-01. Review status: criteria provided, single submitter. Criteria: CeGaT Center For Human Genetics Tuebingen Variant Classification Criteria Version 2. Collection method: clinical testing. Allele origin: germline. Affected: yes. Observed: 1 variant allele.
Comment: MED12: BP4, BP7